The following is an entry in ClinVar:

ClinVar aggregate classification (germline): Conflicting classifications of pathogenicity. Review status: criteria provided, conflicting classifications (1 of 4 stars). 6 submissions from 6 submitters: Uncertain significance (1); Likely benign (4). 1 of the submissions does not count toward it. Last evaluated 2025-12-14.

Conditions:
Cutis laxa with osteodystrophy (ARCL2A). Also called: CUTIS LAXA WITH CONGENITAL DISORDER OF GLYCOSYLATION; CUTIS LAXA, AUTOSOMAL RECESSIVE, TYPE IIA; CUTIS LAXA WITH BONE DYSTROPHY; CUTIS LAXA WITH GROWTH AND DEVELOPMENTAL DELAY; CUTIS LAXA WITH JOINT LAXITY AND RETARDED DEVELOPMENT; Autosomal recessive cutis laxa type 2A. Identifiers: Orphanet 357058, MedGen C0268355, MONDO:0018163, OMIM 219200. Disease mechanism: loss of function.
ATP6V0A2-related disorder. Also called: ATP6V0A2-related condition.
ALG9 congenital disorder of glycosylation (CDG1L). Also called: CDG Il; CONGENITAL DISORDER OF GLYCOSYLATION, TYPE Il; ALG9-CDG. Identifiers: Orphanet 79328, MedGen C2931006, MONDO:0012117, OMIM 608776.

Allele frequency attached by ClinVar (database versions not stated): ESP Exome Variant Server 0.00008; gnomAD 0.00002 and 0.00003; TOPMed 0.00002; gnomAD exomes 0.00003; ExAC 0.00006.
gnomAD v4.1: 52 of 1,613,952 alleles (0.0032%); highest among the groups gnomAD compares: South Asian, 0.0044%; no homozygotes.

Submissions (6):

Labcorp Genetics (formerly Invitae), Labcorp
Classification: Likely benign for ALG9 congenital disorder of glycosylation. Last evaluated: 2025-12-14. Review status: criteria provided, single submitter. Criteria: Invitae Variant Classification Sherloc (09022015). Collection method: clinical testing. Allele origin: germline.

Blueprint Genetics
Classification: Likely benign. Last evaluated: 2024-09-05. Review status: criteria provided, single submitter. Criteria: ACMG Guidelines, 2015. Collection method: clinical testing. Allele origin: germline.

CeGaT Center for Human Genetics Tuebingen
Classification: Likely benign. Last evaluated: 2024-07-01. Review status: criteria provided, single submitter. Criteria: CeGaT Center For Human Genetics Tuebingen Variant Classification Criteria Version 2. Collection method: clinical testing. Allele origin: germline. Affected: yes. Observed: 2 variant alleles.
Comment: ATP6V0A2: BP4, BP7

GeneDx
Classification: Likely benign. Last evaluated: 2020-11-03. Review status: criteria provided, single submitter. Criteria: GeneDx Variant Classification Process June 2021. Collection method: clinical testing. Allele origin: germline. Affected: yes.

Illumina Laboratory Services, Illumina
Classification: Uncertain significance for Cutis laxa with osteodystrophy. Last evaluated: 2018-01-12. Review status: criteria provided, single submitter. Criteria: ICSL Variant Classification Criteria 13 December 2019. Collection method: clinical testing. Allele origin: germline.

PreventionGenetics, part of Exact Sciences
Classification: Likely benign for ATP6V0A2-related condition. Last evaluated: 2022-01-14. Review status: no assertion criteria provided. Collection method: clinical testing. Allele origin: germline. Not counted in ClinVar's aggregate classification.
Comment: This variant is classified as likely benign based on ACMG/AMP sequence variant interpretation guidelines (Richards et al. 2015 PMID: 25741868, with internal and published modifications).

NM_012463.4(ATP6V0A2):c.993C>T (p.Pro331=)

Gene: ATP6V0A2 (ATPase H+ transporting V0 subunit a2; plus strand). Cytogenetic location: 12q24.31.
Variant type: single nucleotide variant.
Coding change: c.993C>T on transcript NM_012463.4 (MANE Select); coding-DNA position 993, C replaced by T.
Protein change: p.Pro331=; no amino-acid change (proline 331 retained).
Molecular consequence: synonymous variant.
Genome position (GRCh38, 1-based): chr12:123,737,226, C>T. VCF-style: chr12-123737226-C-T. GRCh37 (hg19) VCF-style: chr12-124221773-C-T.
Identifiers: ClinVar variation 307583 (VCV000307583.35), dbSNP rs367873118, ClinGen allele CA6861784.